The following is an entry in ClinVar:

ClinVar aggregate classification (germline): Uncertain significance (1 of 4 stars; one submission).

Allele frequency attached by ClinVar (database versions not stated): gnomAD exomes below 0.00001; gnomAD 0.00001; TOPMed 0.00002.
gnomAD v4.1: 7 of 1,613,340 alleles (0.00043%); highest among the groups gnomAD compares: Admixed American, 0.0067%; no homozygotes.

Submission:

Labcorp Genetics (formerly Invitae), Labcorp
Classification: Uncertain significance. Last evaluated: 2025-10-16. Review status: criteria provided, single submitter. Criteria: Invitae Variant Classification Sherloc (09022015). Collection method: clinical testing. Allele origin: germline.
Comment: This sequence change replaces valine, which is neutral and non-polar, with alanine, which is neutral and non-polar, at codon 1446 of the CLTC protein (p.Val1446Ala). This variant is present in population databases (no rsID available, gnomAD 0.009%). This variant has not been reported in the literature in individuals affected with CLTC-related conditions. ClinVar contains an entry for this variant (Variation ID: 1915962). Experimental studies and prediction algorithms are not available or were not evaluated, and the functional significance of this variant is currently unknown. In summary, the available evidence is currently insufficient to determine the role of this variant in disease. Therefore, it has been classified as a Variant of Uncertain Significance.

NM_004859.4(CLTC):c.4325T>C (p.Val1442Ala)

Genes: CLTC (clathrin heavy chain; plus strand), LOC126862609 (CDK7 strongly-dependent group 2 enhancer GRCh37_chr17:57760547-57761746; plus strand). Cytogenetic location: 17q23.1.
Variant type: single nucleotide variant.
Coding change: c.4325T>C on transcript NM_004859.4 (MANE Select); coding-DNA position 4325, T replaced by C.
Protein change: p.Val1442Ala; replaces valine 1442 with alanine.
Molecular consequence: missense variant.
Genome position (GRCh38, 1-based): chr17:59,683,876, T>C. VCF-style: chr17-59683876-T-C. GRCh37 (hg19) VCF-style: chr17-57761237-T-C.
Other names: c.4337T>C, p.Val1446Ala (NM_001288653.2); short protein forms V1446A, V1442A.
Identifiers: ClinVar variation 1915962 (VCV001915962.5), dbSNP rs1043437018, ClinGen allele CA292117885.